The following is an entry in ClinVar:

NM_182706.5(SCRIB):c.2955G>A (p.Pro985=)

Gene: SCRIB (scribble planar cell polarity protein; minus strand). Cytogenetic location: 8q24.3.
Variant type: single nucleotide variant.
Coding change: c.2955G>A on transcript NM_182706.5 (MANE Select); coding-DNA position 2955, G replaced by A.
Protein change: p.Pro985=; no amino-acid change (proline 985 retained).
Molecular consequence: synonymous variant.
Genome position (GRCh38, 1-based): chr8:143,804,622, C>T on the plus strand (G>A on the coding strand, the complement: SCRIB is on the minus strand). VCF-style: chr8-143804622-C-T. GRCh37 (hg19) VCF-style: chr8-144886792-C-T.
Other names: c.2955G>A, p.Pro985= (NM_015356.5).
Identifiers: ClinVar variation 3048288 (VCV003048288.2), dbSNP rs782285085, ClinGen allele CA4918931.

ClinVar aggregate classification (germline): Likely benign (0 of 4 stars; one submission).

Conditions:
SCRIB-related disorder. Also called: SCRIB-related condition.

Allele frequency attached by ClinVar (database versions not stated): gnomAD exomes 0.00001; ExAC 0.00003.
gnomAD v4.1: 12 of 1,525,404 alleles (0.00079%); highest among the groups gnomAD compares: Admixed American, 0.006%; no homozygotes.

Submission:

PreventionGenetics, part of Exact Sciences
Classification: Likely benign for SCRIB-related condition. Last evaluated: 2019-12-23. Review status: no assertion criteria provided. Collection method: clinical testing. Allele origin: germline.
Comment: This variant is classified as likely benign based on ACMG/AMP sequence variant interpretation guidelines (Richards et al. 2015 PMID: 25741868, with internal and published modifications).